The following is an entry in ClinVar:

ClinVar aggregate classification (germline): Benign. Review status: criteria provided, single submitter (1 of 4 stars). 2 submissions from 2 submitters: Benign (1). 1 of the submissions does not count toward it. Last evaluated 2025-02-16.

Conditions:
Venous thromboembolism. Identifiers: MedGen C1861172, MeSH D054556, MONDO:0005399.

Submissions (2):

Laboratory of Genetics, Children's Clinical University Hospital Latvia
Classification: Benign. Last evaluated: 2025-02-16. Review status: criteria provided, single submitter. Criteria: ACMG Guidelines, 2015. Collection method: clinical testing. Allele origin: germline. Affected: yes.

Genomics Division, Defence Institute of Physiology and Allied Sciences
Classification: association not found for VENOUS THROMBOEMBOLISM. Review status: no assertion criteria provided. Collection method: case-control. Allele origin: maternal. Inheritance: Mitochondrial inheritance. Affected: no. Not counted in ClinVar's aggregate classification.
Comment: Three age and sex matched study groups were taken and whole exome sequencing was performed. 1. Healthy Subjects (n=19) 2. Sea Level Venous Thromboembolism (n=15) 3. High Altitude Venous Thromboembolism (n=6). Nature of this variant is not provided. After analysis, it was found that rs2853518 is present in all study groups. First time it is being reported that there is association of rs28535138 with Venous thromboembolism.

NC_012920.1(MT-RNR1):m.750A>G

Gene: MT-RNR1 (mitochondrially encoded 12S RNA; plus strand).
Variant type: single nucleotide variant.
Genome position: chrM-750-A-G.
Identifiers: ClinVar variation 441148 (VCV000441148.4), dbSNP rs2853518, ClinGen allele CA337095938.
Genomic context (GRCh38, chrMT:750, plus strand): 5'-TACACATGCAAGCATCCCCGTTCCAGTGAGTTCACCCTCTAAATCACCACGATCAAAAGG[A>G]ACAAGCATCAAGCACGCAGCAATGCAGCTCAAAACGCTTAGCCTAGCCACACCCCCACGG-3'